The following is an entry in ClinVar:

NM_006892.4(DNMT3B):c.595G>C (p.Gly199Arg)

Gene: DNMT3B (DNA methyltransferase 3 beta; plus strand). Cytogenetic location: 20q11.21.
Variant type: single nucleotide variant.
Coding change: c.595G>C on transcript NM_006892.4 (MANE Select); coding-DNA position 595, G replaced by C.
Protein change: p.Gly199Arg; replaces glycine 199 with arginine.
Molecular consequence: missense variant.
Genome position (GRCh38, 1-based): chr20:32,787,392, G>C. VCF-style: chr20-32787392-G-C. GRCh37 (hg19) VCF-style: chr20-31375198-G-C.
Other names: c.469G>C, p.Gly157Arg (NM_001207055.2); c.367G>C, p.Gly123Arg (NM_001207056.2); c.595G>C, p.Gly199Arg (NM_175848.2, NM_175849.2); c.631G>C, p.Gly211Arg (NM_175850.3); short protein forms G123R, G157R, G199R, G211R.
Identifiers: ClinVar variation 1018744 (VCV001018744.8), dbSNP rs1979451956, ClinGen allele CA408586837.

ClinVar aggregate classification (germline): Uncertain significance (1 of 4 stars; one submission).

Conditions:
Centromeric instability of chromosomes 1,9 and 16 and immunodeficiency (ICF1). Also called: Immunodeficiency-centromeric instability-facial anomalies; IMMUNE DEFICIENCY, VARIABLE, WITH CENTROMERIC INSTABILITY OF CHROMOSOMES 1, 9, AND 16; IMMUNODEFICIENCY SYNDROME, VARIABLE; CENTROMERIC INSTABILITY, IMMUNODEFICIENCY SYNDROME. Identifiers: Orphanet 2268, MedGen C0398788, MONDO:0000133.

gnomAD v4.1: 2 of 1,614,214 alleles (0.00012%); highest among the groups gnomAD compares: Non-Finnish European, 0.00017%; no homozygotes.

Submission:

Labcorp Genetics (formerly Invitae), Labcorp
Classification: Uncertain significance for Centromeric instability of chromosomes 1,9 and 16 and immunodeficiency. Last evaluated: 2023-04-05. Review status: criteria provided, single submitter. Criteria: Invitae Variant Classification Sherloc (09022015). Collection method: clinical testing. Allele origin: germline.
Comment: Advanced modeling of protein sequence and biophysical properties (such as structural, functional, and spatial information, amino acid conservation, physicochemical variation, residue mobility, and thermodynamic stability) performed at Invitae indicates that this missense variant is not expected to disrupt DNMT3B protein function. In summary, the available evidence is currently insufficient to determine the role of this variant in disease. Therefore, it has been classified as a Variant of Uncertain Significance. This variant has not been reported in the literature in individuals affected with DNMT3B-related conditions. This variant is not present in population databases (gnomAD no frequency). This sequence change replaces glycine, which is neutral and non-polar, with arginine, which is basic and polar, at codon 199 of the DNMT3B protein (p.Gly199Arg). ClinVar contains an entry for this variant (Variation ID: 1018744).